The following is an entry in ClinVar:

ClinVar aggregate classification (germline): Uncertain significance (1 of 4 stars; one submission).

Conditions:
Combined immunodeficiency due to OX40 deficiency. Also called: Immunodeficiency 16; OX40 DEFICIENCY. Identifiers: Orphanet 431149, MedGen C3810053, MONDO:0014268, OMIM 615593.

Allele frequency attached by ClinVar (database versions not stated): gnomAD 0.00001; TOPMed 0.00001; gnomAD exomes 0.00003; ExAC 0.00005.

Submission:

Labcorp Genetics (formerly Invitae), Labcorp
Classification: Uncertain significance for Combined immunodeficiency due to OX40 deficiency. Last evaluated: 2022-02-02. Review status: criteria provided, single submitter. Criteria: Invitae Variant Classification Sherloc (09022015). Collection method: clinical testing. Allele origin: germline.
Comment: This variant is present in population databases (rs748879803, gnomAD 0.01%). This variant has not been reported in the literature in individuals affected with TNFRSF4-related conditions. ClinVar contains an entry for this variant (Variation ID: 1055797). Algorithms developed to predict the effect of missense changes on protein structure and function are either unavailable or do not agree on the potential impact of this missense change (SIFT: "Deleterious"; PolyPhen-2: "Probably Damaging"; Align-GVGD: "Class C0"). In summary, the available evidence is currently insufficient to determine the role of this variant in disease. Therefore, it has been classified as a Variant of Uncertain Significance. This sequence change replaces arginine, which is basic and polar, with tryptophan, which is neutral and slightly polar, at codon 41 of the TNFRSF4 protein (p.Arg41Trp).

NM_003327.4(TNFRSF4):c.121C>T (p.Arg41Trp)

Gene: TNFRSF4 (TNF receptor superfamily member 4; minus strand). Cytogenetic location: 1p36.33.
Variant type: single nucleotide variant.
Coding change: c.121C>T on transcript NM_003327.4 (MANE Select); coding-DNA position 121, C replaced by T.
Protein change: p.Arg41Trp; replaces arginine 41 with tryptophan.
Molecular consequence: missense variant.
Genome position (GRCh38, 1-based): chr1:1,214,007, G>A on the plus strand (C>T on the coding strand, the complement: TNFRSF4 is on the minus strand). VCF-style: chr1-1214007-G-A. GRCh37 (hg19) VCF-style: chr1-1149387-G-A.
Other names: short protein forms R41W.
Identifiers: ClinVar variation 1055797 (VCV001055797.9), dbSNP rs748879803, ClinGen allele CA512675.
Genomic context (GRCh38, chr1:1,214,007, plus strand): 5'-AGTGCCCGTGCGTGGCGACCCCTCCTGAGGCCTCACCTGGCCTGCACTCGTGGCAGCACC[G>A]GTCGTTGCTGGGGTAGGTGTCCCCGACACAGTGGAGCCCCGTCACGGTGCTCAGCCCCAG-3'
Protein context (NP_003318.1, residues 31-51): CVGDTYPSND[Arg41Trp]CCHECRPGNG